The following is an entry in ClinVar:

NM_001105206.3(LAMA4):c.5135G>C (p.Gly1712Ala)

Gene: LAMA4 (laminin subunit alpha 4; minus strand). Cytogenetic location: 6q21.
Variant type: single nucleotide variant.
Coding change: c.5135G>C on transcript NM_001105206.3 (MANE Select); coding-DNA position 5135, G replaced by C.
Protein change: p.Gly1712Ala; replaces glycine 1712 with alanine.
Molecular consequence: missense variant.
Genome position (GRCh38, 1-based): chr6:112,114,734, C>G on the plus strand (G>C on the coding strand, the complement: LAMA4 is on the minus strand). VCF-style: chr6-112114734-C-G. GRCh37 (hg19) VCF-style: chr6-112435937-C-G.
Other names: c.5114G>C, p.Gly1705Ala (NM_001105207.3, NM_002290.5); short protein forms G1705A, G1712A.
Identifiers: ClinVar variation 994027 (VCV000994027.8), dbSNP rs1777911531, ClinGen allele CA365364965.

ClinVar aggregate classification (germline): Uncertain significance (1 of 4 stars; one submission).

Conditions:
Dilated cardiomyopathy 1JJ (CMD1JJ). Identifiers: Orphanet 154, MedGen C3808935, MONDO:0014095, OMIM 615235.

Allele frequency attached by ClinVar (database versions not stated): gnomAD exomes below 0.00001.
gnomAD v4.1: 3 of 1,611,400 alleles (0.00019%); highest among the groups gnomAD compares: Non-Finnish European, 0.00025%; no homozygotes.

Submission:

ARUP Laboratories, Molecular Genetics and Genomics, ARUP Laboratories
Classification: Uncertain significance for Dilated cardiomyopathy 1JJ. Last evaluated: 2019-09-11. Review status: criteria provided, single submitter. Criteria: ARUP Molecular Germline Variant Investigation Process. Collection method: clinical testing. Allele origin: germline.
Comment: The LAMA4 c.5114G>C; p.Gly1705Ala variant, to our knowledge, is not reported in the medical literature or gene specific databases. This variant is also absent from general population databases (Exome Variant Server, Genome Aggregation Database), indicating it is not a common polymorphism. The glycine at position 1705 is highly conserved and computational analyses of the effects of the p.Gly1705Ala variant on protein structure and function is deleterious (SIFT: damaging, PolyPhen-2: probably damaging). Altogether, there is not enough evidence to classify the p.Gly1705Ala variant with certainty.